The following is an entry in ClinVar:

NM_001347.4(DGKQ):c.592G>C (p.Glu198Gln)

Gene: DGKQ (diacylglycerol kinase theta; minus strand). Cytogenetic location: 4p16.3.
Variant type: single nucleotide variant.
Coding change: c.592G>C on transcript NM_001347.4 (MANE Select); coding-DNA position 592, G replaced by C.
Protein change: p.Glu198Gln; replaces glutamic acid 198 with glutamine.
Molecular consequence: missense variant.
Genome position (GRCh38, 1-based): chr4:968,353, C>G on the plus strand (G>C on the coding strand, the complement: DGKQ is on the minus strand). VCF-style: chr4-968353-C-G. GRCh37 (hg19) VCF-style: chr4-962141-C-G.
Other names: c.592G>C (NM_001347.2); short protein forms E198Q.
Identifiers: ClinVar variation 3042093 (VCV003042093.3), dbSNP rs201406137, ClinGen allele CA2800872.
Genomic context (GRCh38, chr4:968,353, plus strand): 5'-ACCACTCGCAGCGCACGCCGGCCAGCACGTCAGAGGAGCCGCACGTCTTCCTGCAGACCT[C>G]GCAGCGCGCTCCCGAGGGCAGGTTCCCCTCCCGCCAGTGGTGGTGATGGGTGTCCTGCAG-3'
Protein context (NP_001338.2, residues 188-208): EGNLPSGARC[Glu198Gln]VCRKTCGSSD

ClinVar aggregate classification (germline): Uncertain significance. Review status: criteria provided, single submitter (1 of 4 stars). 2 submissions from 2 submitters: Uncertain significance (1). 1 of the submissions does not count toward it. Last evaluated 2025-08-03.

Conditions:
DGKQ-related disorder. Also called: DGKQ-related condition.

Allele frequency attached by ClinVar (database versions not stated): ESP Exome Variant Server 0.00142; 1000 Genomes Project 0.00300; 1000 Genomes Project 30x 0.00312.
gnomAD v4.1: 485 of 1,501,982 alleles (0.032%); highest among the groups gnomAD compares: African/African-American, 0.67%; 2 homozygotes.

Submissions (2):

Ambry Genetics
Classification: Uncertain significance. Last evaluated: 2025-08-03. Review status: criteria provided, single submitter. Criteria: Ambry Variant Classification Scheme 2023. Collection method: clinical testing. Allele origin: germline.

PreventionGenetics, part of Exact Sciences
Classification: Likely benign for DGKQ-related condition. Last evaluated: 2019-06-04. Review status: no assertion criteria provided. Collection method: clinical testing. Allele origin: germline. Not counted in ClinVar's aggregate classification.
Comment: This variant is classified as likely benign based on ACMG/AMP sequence variant interpretation guidelines (Richards et al. 2015 PMID: 25741868, with internal and published modifications).